The following is an entry in ClinVar:

ClinVar aggregate classification (germline): Conflicting classifications of pathogenicity. Review status: criteria provided, conflicting classifications (1 of 4 stars). 3 submissions from 3 submitters: Uncertain significance (2); Likely benign (1). Last evaluated 2026-01-28.

Conditions:
Familial hemophagocytic lymphohistiocytosis 3 (FHL3). Also called: UNC13D-Related Familial Hemophagocytic Lymphohistiocytosis (UNC13D-fHLH). Identifiers: Orphanet 540, MedGen C1837174, MONDO:0012146, OMIM 608898.

Allele frequency attached by ClinVar (database versions not stated): TOPMed 0.00003; gnomAD 0.00004; 1000 Genomes Project 30x 0.00016.

Submissions (3):

Labcorp Genetics (formerly Invitae), Labcorp
Classification: Likely benign for Familial hemophagocytic lymphohistiocytosis 3. Last evaluated: 2026-01-28. Review status: criteria provided, single submitter. Criteria: Invitae Variant Classification Sherloc (09022015). Collection method: clinical testing. Allele origin: germline.

GeneDx
Classification: Uncertain significance. Last evaluated: 2023-08-12. Review status: criteria provided, single submitter. Criteria: GeneDx Variant Classification Process June 2021. Collection method: clinical testing. Allele origin: germline. Affected: yes.
Comment: In silico analysis supports that this missense variant does not alter protein structure/function; Reported in individuals with hemophagocytic lymphohistiocytosis (Chen X et al., 2018); This variant is associated with the following publications: (PMID: 29665027, 29113160, 34170459)

Illumina Laboratory Services, Illumina
Classification: Uncertain significance for Familial hemophagocytic lymphohistiocytosis 3. Last evaluated: 2018-01-17. Review status: criteria provided, single submitter. Criteria: ICSL Variant Classification Criteria 13 December 2019. Collection method: clinical testing. Allele origin: germline.
Comment: This variant was observed as part of a predisposition screen in an ostensibly healthy population. A literature search was performed for the gene, cDNA change, and amino acid change (where applicable). Publications were found based on this search. However, the evidence from the literature, in combination with allele frequency data from public databases where available, was not sufficient to rule this variant in or out of causing disease. Therefore, this variant is classified as a variant of unknown significance.

Literature cited by the submitters: PubMed 29113160 (cited by Illumina Laboratory Services, Illumina).

NM_199242.3(UNC13D):c.3067C>T (p.Arg1023Cys)

Gene: UNC13D (unc-13 homolog D; minus strand). Cytogenetic location: 17q25.1.
Variant type: single nucleotide variant.
Coding change: c.3067C>T on transcript NM_199242.3 (MANE Select); coding-DNA position 3067, C replaced by T.
Protein change: p.Arg1023Cys; replaces arginine 1023 with cysteine.
Molecular consequence: missense variant.
Genome position (GRCh38, 1-based): chr17:75,828,871, G>A on the plus strand (C>T on the coding strand, the complement: UNC13D is on the minus strand). VCF-style: chr17-75828871-G-A. GRCh37 (hg19) VCF-style: chr17-73824952-G-A.
Other names: short protein forms R1023C.
Identifiers: ClinVar variation 891393 (VCV000891393.9), dbSNP rs140599939, ClinGen allele CA8772284.